The following is an entry in ClinVar:

NM_001276270.2(MBD4):c.667G>A (p.Val223Ile)

Gene: MBD4 (methyl-CpG binding domain 4, DNA glycosylase; minus strand). Cytogenetic location: 3q21.3.
Variant type: single nucleotide variant.
Coding change: c.667G>A on transcript NM_001276270.2 (MANE Select); coding-DNA position 667, G replaced by A.
Protein change: p.Val223Ile; replaces valine 223 with isoleucine.
Molecular consequence: missense variant. On other transcripts: intron variant (1).
Genome position (GRCh38, 1-based): chr3:129,436,977, C>T on the plus strand (G>A on the coding strand, the complement: MBD4 is on the minus strand). VCF-style: chr3-129436977-C-T. GRCh37 (hg19) VCF-style: chr3-129155820-C-T.
Other names: c.667G>A, p.Val223Ile (NM_001276271.2, NM_001276272.2, NM_003925.3); c.247+831G>A (NM_001276273.2); short protein forms V223I.
Identifiers: ClinVar variation 3680178 (VCV003680178.3).

ClinVar aggregate classification (germline): Uncertain significance. Review status: criteria provided, multiple submitters, no conflicts (2 of 4 stars). 2 submissions from 2 submitters: Uncertain significance (2). Last evaluated 2025-11-05.

Conditions:
Inborn genetic diseases. Identifiers: MedGen C0950123, MeSH D030342.

Submissions (2):

Labcorp Genetics (formerly Invitae), Labcorp
Classification: Uncertain significance. Last evaluated: 2025-11-05. Review status: criteria provided, single submitter. Criteria: Invitae Variant Classification Sherloc (09022015). Collection method: clinical testing. Allele origin: germline.
Comment: This sequence change replaces valine, which is neutral and non-polar, with isoleucine, which is neutral and non-polar, at codon 223 of the MBD4 protein (p.Val223Ile). This variant is present in population databases (rs143317948, gnomAD 0.01%). This variant has not been reported in the literature in individuals affected with MBD4-related conditions. ClinVar contains an entry for this variant (Variation ID: 3680178). An algorithm developed to predict the effect of missense changes on protein structure and function outputs the following: PolyPhen-2: "Benign". The isoleucine amino acid residue is found in multiple mammalian species, which suggests that this missense change does not adversely affect protein function. In summary, the available evidence is currently insufficient to determine the role of this variant in disease. Therefore, it has been classified as a Variant of Uncertain Significance.

Ambry Genetics
Classification: Uncertain significance for Inborn genetic diseases. Last evaluated: 2025-02-08. Review status: criteria provided, single submitter. Criteria: Ambry Variant Classification Scheme 2023. Collection method: clinical testing. Allele origin: germline.
Comment: The p.V223I variant (also known as c.667G>A), located in coding exon 3 of the MBD4 gene, results from a G to A substitution at nucleotide position 667. The valine at codon 223 is replaced by isoleucine, an amino acid with highly similar properties. This amino acid position is conserved. In addition, this alteration is predicted to be tolerated by in silico analysis. Based on the available evidence, the clinical significance of this variant remains unclear.